The following is an entry in ClinVar:

ClinVar aggregate classification (germline): Uncertain significance. Review status: criteria provided, multiple submitters, no conflicts (2 of 4 stars). 2 submissions from 2 submitters: Uncertain significance (2). Last evaluated 2023-09-20.

Conditions:
Inborn genetic diseases. Identifiers: MedGen C0950123, MeSH D030342.
Charcot-Marie-Tooth disease type 4. Also called: Charcot-Marie-Tooth disease, type IV; Charcot-Marie-Tooth, Type 4. Identifiers: Orphanet 64749, MedGen C4082197, MONDO:0018995.

Allele frequency attached by ClinVar (database versions not stated): ExAC 0.00002; gnomAD exomes 0.00002; gnomAD 0.00004 and 0.00005; 1000 Genomes Project 30x 0.00016; 1000 Genomes Project 0.00020.
gnomAD v4.1: 27 of 1,614,144 alleles (0.0017%); highest among the groups gnomAD compares: African/African-American, 0.013%; no homozygotes.

Submissions (2):

Ambry Genetics
Classification: Uncertain significance for Inborn genetic diseases. Last evaluated: 2023-09-20. Review status: criteria provided, single submitter. Criteria: Ambry Variant Classification Scheme 2023. Collection method: clinical testing. Allele origin: germline.

Labcorp Genetics (formerly Invitae), Labcorp
Classification: Uncertain significance for Charcot-Marie-Tooth disease type 4. Last evaluated: 2021-08-20. Review status: criteria provided, single submitter. Criteria: Invitae Variant Classification Sherloc (09022015). Collection method: clinical testing. Allele origin: germline.
Comment: This sequence change replaces alanine with threonine at codon 703 of the FGD4 protein (p.Ala703Thr). The alanine residue is highly conserved and there is a small physicochemical difference between alanine and threonine. This variant is present in population databases (rs145630882, ExAC 0.01%). This variant has not been reported in the literature in individuals affected with FGD4-related conditions. Algorithms developed to predict the effect of missense changes on protein structure and function are either unavailable or do not agree on the potential impact of this missense change (SIFT: "Deleterious"; PolyPhen-2: "Benign"; Align-GVGD: "Class C55"). In summary, the available evidence is currently insufficient to determine the role of this variant in disease. Therefore, it has been classified as a Variant of Uncertain Significance.

NM_001370298.3(FGD4):c.2518G>A (p.Ala840Thr)

Gene: FGD4 (FYVE, RhoGEF and PH domain containing 4; plus strand). Cytogenetic location: 12p11.21.
Variant type: single nucleotide variant.
Coding change: c.2518G>A on transcript NM_001370298.3 (MANE Select); coding-DNA position 2518, G replaced by A.
Protein change: p.Ala840Thr; replaces alanine 840 with threonine.
Molecular consequence: missense variant.
Genome position (GRCh38, 1-based): chr12:32,640,339, G>A. VCF-style: chr12-32640339-G-A. GRCh37 (hg19) VCF-style: chr12-32793273-G-A.
Other names: c.2362G>A, p.Ala788Thr (NM_001304481.2); c.1075G>A, p.Ala359Thr (NM_001304484.2); c.1828G>A, p.Ala610Thr (NM_001330373.2, NM_001330374.2, NM_001384130.1); c.1555G>A, p.Ala519Thr (NM_001370297.1); c.2518G>A, p.Ala840Thr (NM_001384126.1); c.2107G>A, p.Ala703Thr (NM_001384127.1, NM_001384128.1, NM_001385118.1 and 1 more transcripts); c.2107G>A (NM_139241.2); short protein forms A359T, A519T, A610T, A703T, A788T, A840T.
Identifiers: ClinVar variation 1056618 (VCV001056618.7), dbSNP rs145630882, ClinGen allele CA6507118.
Genomic context (GRCh38, chr12:32,640,339, plus strand): 5'-GTCAGAGCCCAGGCCACCATTCCACTTCTGGGCTATGTGGTGGATGAAATGCCAAGGAGC[G>A]CAGACCTGCCACACAGTTTCAAACTGACCCAGTCTAAGTCCGTGCACAGCTTTGCTGCAG-3'
Protein context (NP_001357227.2, residues 830-850): GYVVDEMPRS[Ala840Thr]DLPHSFKLTQ